The following is an entry in ClinVar:

ClinVar aggregate classification (germline): Uncertain significance (1 of 4 stars; one submission).

Allele frequency attached by ClinVar (database versions not stated): ExAC 0.00002; gnomAD exomes below 0.00001; gnomAD 0.00001; ESP Exome Variant Server 0.00008.
gnomAD v4.1: 5 of 1,613,458 alleles (0.00031%); highest among the groups gnomAD compares: Non-Finnish European, 0.00042%; no homozygotes.

Submission:

GeneDx
Classification: Uncertain significance. Last evaluated: 2026-02-15. Review status: criteria provided, single submitter. Criteria: GeneDx Variant Classification Process June 2021. Collection method: clinical testing. Allele origin: germline. Affected: yes.
Comment: Not observed at significant frequency in large population cohorts (gnomAD); In silico analysis supports that this missense variant has a deleterious effect on protein structure/function; Has not been previously published as pathogenic or benign to our knowledge

NM_002972.4(SBF1):c.4442A>G (p.Lys1481Arg)

Gene: SBF1 (SET binding factor 1; minus strand). Cytogenetic location: 22q13.33.
Variant type: single nucleotide variant.
Coding change: c.4442A>G on transcript NM_002972.4 (MANE Select); coding-DNA position 4442, A replaced by G.
Protein change: p.Lys1481Arg; replaces lysine 1481 with arginine.
Molecular consequence: missense variant.
Genome position (GRCh38, 1-based): chr22:50,455,336, T>C on the plus strand (A>G on the coding strand, the complement: SBF1 is on the minus strand). VCF-style: chr22-50455336-T-C. GRCh37 (hg19) VCF-style: chr22-50893765-T-C.
Other names: c.4367A>G, p.Lys1456Arg (NM_001365819.1); c.4445A>G, p.Lys1482Arg (NM_001410794.1); c.4364A>G, p.Lys1455Arg (NM_001410795.1); c.4442A>G, p.Lys1481Arg (NM_197971.1); short protein forms K1455R, K1456R, K1481R, K1482R.
Identifiers: ClinVar variation 2429717 (VCV002429717.2), dbSNP rs367840339, ClinGen allele CA10316260.